The following is an entry in ClinVar:

NM_001354930.2(RIPK1):c.1082C>T (p.Pro361Leu)

Gene: RIPK1 (receptor interacting serine/threonine kinase 1; plus strand). Cytogenetic location: 6p25.2.
Variant type: single nucleotide variant.
Coding change: c.1082C>T on transcript NM_001354930.2 (MANE Select); coding-DNA position 1082, C replaced by T.
Protein change: p.Pro361Leu; replaces proline 361 with leucine.
Molecular consequence: missense variant.
Genome position (GRCh38, 1-based): chr6:3,105,557, C>T. VCF-style: chr6-3105557-C-T. GRCh37 (hg19) VCF-style: chr6-3105791-C-T.
Other names: c.593C>T, p.Pro198Leu (NM_001317061.3, NM_001354932.2, NM_001354933.2 and 1 more transcripts); c.944C>T, p.Pro315Leu (NM_001354931.2); c.1082C>T, p.Pro361Leu (NM_003804.6); short protein forms P198L, P315L, P361L.
Identifiers: ClinVar variation 4797545 (VCV004797545.1).

ClinVar aggregate classification (germline): Uncertain significance (1 of 4 stars; one submission).

gnomAD v4.1: 1 of 1,611,880 alleles (0.000062%); highest among the groups gnomAD compares: Non-Finnish European, 0.000085%; no homozygotes.

Submission:

Labcorp Genetics (formerly Invitae), Labcorp
Classification: Uncertain significance. Last evaluated: 2025-12-24. Review status: criteria provided, single submitter. Criteria: Invitae Variant Classification Sherloc (09022015). Collection method: clinical testing. Allele origin: germline.
Comment: This sequence change replaces proline, which is neutral and non-polar, with leucine, which is neutral and non-polar, at codon 361 of the RIPK1 protein (p.Pro361Leu). This variant is not present in population databases (gnomAD no frequency). This variant has not been reported in the literature in individuals affected with RIPK1-related conditions. An algorithm developed to predict the effect of missense changes on protein structure and function (PolyPhen-2) suggests that this variant is likely to be tolerated. In summary, the available evidence is currently insufficient to determine the role of this variant in disease. Therefore, it has been classified as a Variant of Uncertain Significance.